The following is an entry in ClinVar:

ClinVar aggregate classification (germline): Uncertain significance. Review status: criteria provided, multiple submitters, no conflicts (2 of 4 stars). 2 submissions from 2 submitters: Uncertain significance (2). Last evaluated 2024-11-15.

Allele frequency attached by ClinVar (database versions not stated): gnomAD 0.00001 and 0.00002; gnomAD exomes 0.00002; TOPMed 0.00003.

Submissions (2):

Ambry Genetics
Classification: Uncertain significance. Last evaluated: 2024-11-15. Review status: criteria provided, single submitter. Criteria: Ambry Variant Classification Scheme 2023. Collection method: clinical testing. Allele origin: germline.
Comment: The p.R157C variant (also known as c.469C>T), located in coding exon 4 of the RINT1 gene, results from a C to T substitution at nucleotide position 469. The arginine at codon 157 is replaced by cysteine, an amino acid with highly dissimilar properties. This amino acid position is well conserved in available vertebrate species. In addition, the in silico prediction for this alteration is inconclusive. Since supporting evidence is limited at this time, the clinical significance of this alteration remains unclear.

Labcorp Genetics (formerly Invitae), Labcorp
Classification: Uncertain significance. Last evaluated: 2023-12-18. Review status: criteria provided, single submitter. Criteria: Invitae Variant Classification Sherloc (09022015). Collection method: clinical testing. Allele origin: germline.
Comment: This sequence change replaces arginine, which is basic and polar, with cysteine, which is neutral and slightly polar, at codon 157 of the RINT1 protein (p.Arg157Cys). This variant is present in population databases (no rsID available, gnomAD 0.02%). This variant has not been reported in the literature in individuals affected with RINT1-related conditions. ClinVar contains an entry for this variant (Variation ID: 1000468). An algorithm developed to predict the effect of missense changes on protein structure and function (PolyPhen-2) suggests that this variant is likely to be disruptive. In summary, the available evidence is currently insufficient to determine the role of this variant in disease. Therefore, it has been classified as a Variant of Uncertain Significance.

NM_021930.6(RINT1):c.469C>T (p.Arg157Cys)

Gene: RINT1 (RAD50 interactor 1; plus strand). Cytogenetic location: 7q22.3.
Variant type: single nucleotide variant.
Coding change: c.469C>T on transcript NM_021930.6 (MANE Select); coding-DNA position 469, C replaced by T.
Protein change: p.Arg157Cys; replaces arginine 157 with cysteine.
Molecular consequence: missense variant. On other transcripts: 5 prime UTR variant (3), non-coding transcript variant (1).
Genome position (GRCh38, 1-based): chr7:105,542,603, C>T. VCF-style: chr7-105542603-C-T. GRCh37 (hg19) VCF-style: chr7-105183050-C-T.
Other names: c.235C>T, p.Arg79Cys (NM_001346599.2); c.-551C>T (NM_001346600.2); c.-454C>T (NM_001346601.2); c.-74C>T (NM_001346603.2); short protein forms R157C, R79C.
Identifiers: ClinVar variation 1000468 (VCV001000468.12), dbSNP rs923333938, ClinGen allele CA164048685.
Genomic context (GRCh38, chr7:105,542,603, plus strand): 5'-ACTGCGCAACCTTGGATGGACGATCTTGGAACCATGATTAGCCAGATTGAAGAGATCGAA[C>T]GTCATCTTGCTTACCTTAAATGGATTTCACAAATTGAAGAACTAAGGTAAAATGGGCCTC-3'
Protein context (NP_068749.3, residues 147-167): TMISQIEEIE[Arg157Cys]HLAYLKWISQ